The following is an entry in ClinVar:

ClinVar aggregate classification (germline): Uncertain significance (1 of 4 stars; one submission).

Conditions:
Catecholaminergic polymorphic ventricular tachycardia 1. Also called: VENTRICULAR TACHYCARDIA, STRESS-INDUCED POLYMORPHIC 1; VENTRICULAR TACHYCARDIA, CATECHOLAMINERGIC POLYMORPHIC, 1, WITH OR WITHOUT ATRIAL DYSFUNCTION AND/OR DILATED CARDIOMYOPATHY; RYR2-Related Catecholaminergic Polymorphic Ventricular Tachycardia. Identifiers: Orphanet 3286, MedGen C1631597, MONDO:0011484, OMIM 604772.

Submission:

Labcorp Genetics (formerly Invitae), Labcorp
Classification: Uncertain significance for Catecholaminergic polymorphic ventricular tachycardia 1. Last evaluated: 2024-10-17. Review status: criteria provided, single submitter. Criteria: Invitae Variant Classification Sherloc (09022015). Collection method: clinical testing. Allele origin: germline.
Comment: This sequence change creates a premature translational stop signal (p.Glu3718*) in the RYR2 gene. It is expected to result in an absent or disrupted protein product. However, the current clinical and genetic evidence is not sufficient to establish whether loss-of-function variants in RYR2 cause disease. This variant is not present in population databases (gnomAD no frequency). This variant has not been reported in the literature in individuals affected with RYR2-related conditions. In summary, the available evidence is currently insufficient to determine the role of this variant in disease. Therefore, it has been classified as a Variant of Uncertain Significance.

NM_001035.3(RYR2):c.11152G>T (p.Glu3718Ter)

Gene: RYR2 (ryanodine receptor 2; plus strand). Cytogenetic location: 1q43.
Variant type: single nucleotide variant.
Coding change: c.11152G>T on transcript NM_001035.3 (MANE Select); coding-DNA position 11152, G replaced by T.
Protein change: p.Glu3718Ter; replaces glutamic acid 3718 with a stop codon.
Molecular consequence: nonsense.
Genome position (GRCh38, 1-based): chr1:237,756,294, G>T. VCF-style: chr1-237756294-G-T. GRCh37 (hg19) VCF-style: chr1-237919594-G-T.
Other names: short protein forms E3718*.
Identifiers: ClinVar variation 2823509 (VCV002823509.3), dbSNP rs886039201, ClinGen allele CA345425758.
Genomic context (GRCh38, chr1:237,756,294, plus strand): 5'-AATCTGTTGTGCTTACTGATACCCTCAACATAAATGGTTGGGATTTGTGTTCAGGAAAAA[G>T]AAATGGAAAAGCAAAAGCTTCTATACCAGCAAGCCCGACTCCACGATCGTGGCGCGGCTG-3'